The following is an entry in ClinVar:

NM_014249.4(NR2E3):c.839del (p.Pro280fs)

Gene: NR2E3 (nuclear receptor subfamily 2 group E member 3; plus strand). Cytogenetic location: 15q23.
Variant type: Deletion.
Coding change: c.839del on transcript NM_014249.4 (MANE Select); coding-DNA position 839, one base deleted (C; older notation c.839delC).
Protein change: p.Pro280fs; shifts the reading frame from proline 280.
Molecular consequence: frameshift variant.
Genome position (GRCh38, 1-based): chr15:71,813,480, C deleted; the last of 2 consecutive C bases (chr15:71,813,479-71,813,480); deleting either gives the same sequence. VCF-style (leftmost placement, unchanged base first): chr15-71813478-AC-A. GRCh37 (hg19) VCF-style: chr15-72105818-AC-A.
Other names: c.839del, p.Pro280fs (NM_016346.4); short protein forms P280fs.
Identifiers: ClinVar variation 2095888 (VCV002095888.4), dbSNP rs2543256250, ClinGen allele CA2580089938.

ClinVar aggregate classification (germline): Pathogenic (1 of 4 stars; one submission).

Submission:

Labcorp Genetics (formerly Invitae), Labcorp
Classification: Pathogenic. Last evaluated: 2023-12-11. Review status: criteria provided, single submitter. Criteria: Invitae Variant Classification Sherloc (09022015). Collection method: clinical testing. Allele origin: germline.
Comment: This sequence change creates a premature translational stop signal (p.Pro280Argfs*44) in the NR2E3 gene. It is expected to result in an absent or disrupted protein product. Loss-of-function variants in NR2E3 are known to be pathogenic (PMID: 15459973, 27522502). This variant is not present in population databases (gnomAD no frequency). This variant has not been reported in the literature in individuals affected with NR2E3-related conditions. ClinVar contains an entry for this variant (Variation ID: 2095888). For these reasons, this variant has been classified as Pathogenic.

Literature cited by the submitters: PubMed 15459973; PubMed 27522502.